The following is an entry in ClinVar:

NM_182700.6(SP8):c.1296G>A (p.Lys432=)

Gene: SP8 (Sp8 transcription factor; minus strand). Cytogenetic location: 7p21.1.
Variant type: single nucleotide variant.
Coding change: c.1296G>A on transcript NM_182700.6 (MANE Select); coding-DNA position 1296, G replaced by A.
Protein change: p.Lys432=; no amino-acid change (lysine 432 retained).
Molecular consequence: synonymous variant.
Genome position (GRCh38, 1-based): chr7:20,784,521, C>T on the plus strand (G>A on the coding strand, the complement: SP8 is on the minus strand). VCF-style: chr7-20784521-C-T. GRCh37 (hg19) VCF-style: chr7-20824140-C-T.
Other names: c.1242G>A, p.Lys414= (NM_198956.4).
Identifiers: ClinVar variation 3048085 (VCV003048085.2), dbSNP rs369276986, ClinGen allele CA4177817.

ClinVar aggregate classification (germline): Likely benign (0 of 4 stars; one submission).

Conditions:
SP8-related disorder. Also called: SP8-related condition.

Allele frequency attached by ClinVar (database versions not stated): 1000 Genomes Project 30x 0.00016; 1000 Genomes Project 0.00020; ESP Exome Variant Server 0.00023; TOPMed 0.00028; gnomAD 0.00030; ExAC 0.00089.

Submission:

PreventionGenetics, part of Exact Sciences
Classification: Likely benign for SP8-related condition. Last evaluated: 2024-01-11. Review status: no assertion criteria provided. Collection method: clinical testing. Allele origin: germline.
Comment: This variant is classified as likely benign based on ACMG/AMP sequence variant interpretation guidelines (Richards et al. 2015 PMID: 25741868, with internal and published modifications).